The following is an entry in ClinVar:

NM_002485.5(NBN):c.153_155delinsGTG (p.Asn51_Phe52delinsLysCys)

Gene: NBN (nibrin; minus strand). Cytogenetic location: 8q21.3.
Variant type: Indel.
Coding change: c.153_155delinsGTG on transcript NM_002485.5 (MANE Select); coding-DNA positions 153 to 155, CTT replaced by GTG.
Protein change: p.Asn51_Phe52delinsLysCys.
Molecular consequence: missense variant. On other transcripts: 5 prime UTR variant (1).
Genome position (GRCh38, 1-based): chr8:89,982,738-89,982,740, AAG replaced by CAC on the plus strand (CTT replaced by GTG on the coding strand, the reverse complement: NBN is on the minus strand). VCF-style: chr8-89982738-AAG-CAC. GRCh37 (hg19) VCF-style: chr8-90994966-AAG-CAC.
Other names: c.-144_-142delinsGTG (NM_001024688.3); c.153_155delCTTinsGTG (NM_002485.4).
Identifiers: ClinVar variation 420706 (VCV000420706.1), dbSNP rs1064794651, ClinGen allele CA16618716.

ClinVar aggregate classification (germline): Uncertain significance (1 of 4 stars; one submission).

Submission:

GeneDx
Classification: Uncertain significance. Last evaluated: 2016-03-23. Review status: criteria provided, single submitter. Criteria: GeneDx Variant Classification (06012015). Collection method: clinical testing. Allele origin: germline. Affected: yes.
Comment: This variant is denoted NBN c.153_155delCTTinsGTG at the cDNA level and p.Asn51_Phe52delinsLysCys (N51_F52delinsKC) at the protein level. The normal sequence, with the bases that are deleted in braces and inserted in brackets, is CTAA[CTT][GTG]TTCT. This in-frame deletion and insertion of three nucleotides results in two adjacent missense changes: Asn51Lys and Phe52Cys. Neither the combined variant nor the individual missense changes have, to our knowledge, been published in the literature as pathogenic or benign. NBN Asn51_Phe52delinsLysCys was not observed in approximately 6,500 individuals of European and African American ancestry in the NHLBI Exome Sequencing Project, suggesting it is not a common benign variant in these populations. Since Asparagine and Lysine differ in some properties, NBN Asn51Lys is considered a semi-conservative amino acid substitution. Since Phenylalanine and Cysteine differ in polarity, charge, size or other properties, NBN Phe52Cys is considered a non-conservative amino acid substitution. NBN Asn51_Phe52delinsLysCys occurs in a region that is not conserved and is located in the forkhead-associated domain (UniProt). In silico analyses predict that NBN Asn51Lys is unlikely to alter protein structure or function, while they are inconsistent regarding the effect of NBN Phe52Cys on protein structure and function. Based on currently available evidence, it is unclear whether NBN Asn51_Phe52delinsLysCys a pathogenic or benign variant. We consider it to be a variant of uncertain significance.